The following is an entry in ClinVar:

ClinVar aggregate classification (germline): Likely pathogenic (1 of 4 stars; one submission).

Conditions:
HNF1A-related disorder. Also called: HNF1A-related condition.

Submission:

PreventionGenetics, part of Exact Sciences
Classification: Likely pathogenic for HNF1A-related condition. Last evaluated: 2025-08-31. Review status: criteria provided, single submitter. Criteria: ACMG Guidelines, 2015. Collection method: clinical testing. Allele origin: germline.
Comment: The HNF1A c.865_866insG variant is predicted to result in a frameshift and premature protein termination (p.Pro289Argfs*28). To our knowledge, this variant has not been reported in the literature or in a large population database (gnomAD), indicating this variant is rare. Frameshift variants in HNF1A are expected to be pathogenic. This variant is interpreted as likely pathogenic.

NM_000545.8(HNF1A):c.865_866insG (p.Pro289fs)

Gene: HNF1A (HNF1 homeobox A; plus strand). Cytogenetic location: 12q24.31.
Variant type: Insertion.
Coding change: c.865_866insG on transcript NM_000545.8 (MANE Select); coding-DNA positions 865 to 866, G inserted.
Protein change: p.Pro289fs; shifts the reading frame from proline 289.
Molecular consequence: frameshift variant.
Genome position: GRCh38 VCF-style: chr12-120994315-C-CG. GRCh37 (hg19) VCF-style: chr12-121432118-C-CG.
Other names: c.865_866insG, p.Pro289fs (NM_001306179.2, NM_001406915.1); short protein forms P289fs.
Identifiers: ClinVar variation 4993500 (VCV004993500.1).